The following is an entry in ClinVar:

ClinVar aggregate classification (germline): Likely pathogenic (1 of 4 stars; one submission).

Conditions:
Marfan syndrome (MFS). Also called: MARFAN SYNDROME, TYPE I; Marfan syndrome type 1; Marfan's syndrome; Marfan syndrome, classic; FBN1-Related Marfan Syndrome. Identifiers: Orphanet 284963, Orphanet 558, MedGen C0024796, MONDO:0007947, OMIM 154700.
Familial thoracic aortic aneurysm and aortic dissection (TAAD). Also called: Thoracic aortic aneurysms and dissections. Identifiers: Orphanet 91387, MedGen C4707243, MONDO:0019625.

gnomAD v4.1: 1 of 1,614,188 alleles (0.000062%); highest among the groups gnomAD compares: Non-Finnish European, 0.000085%; no homozygotes.

Submission:

Labcorp Genetics (formerly Invitae), Labcorp
Classification: Likely pathogenic for Marfan syndrome; Familial thoracic aortic aneurysm and aortic dissection. Last evaluated: 2025-04-02. Review status: criteria provided, single submitter. Criteria: Invitae Variant Classification Sherloc (09022015). Collection method: clinical testing. Allele origin: germline.
Comment: This sequence change replaces serine, which is neutral and polar, with phenylalanine, which is neutral and non-polar, at codon 634 of the FBN1 protein (p.Ser634Phe). This variant is present in population databases (rs752664023, gnomAD 0.0009%). This missense change has been observed in individual(s) with aortic aneurysm (internal data). ClinVar contains an entry for this variant (Variation ID: 3752004). Invitae Evidence Modeling of protein sequence and biophysical properties (such as structural, functional, and spatial information, amino acid conservation, physicochemical variation, residue mobility, and thermodynamic stability) indicates that this missense variant is expected to disrupt FBN1 protein function with a positive predictive value of 95%. This variant disrupts the p.Ser634 amino acid residue in FBN1. Other variant(s) that disrupt this residue have been determined to be pathogenic (PMID: 20564469, 24161884). This suggests that this residue is clinically significant, and that variants that disrupt this residue are likely to be disease-causing. In summary, the currently available evidence indicates that the variant is pathogenic, but additional data are needed to prove that conclusively. Therefore, this variant has been classified as Likely Pathogenic.

Literature cited by the submitters: PubMed 20564469; PubMed 24161884.

NM_000138.5(FBN1):c.1901C>T (p.Ser634Phe)

Gene: FBN1 (fibrillin 1; minus strand). Cytogenetic location: 15q21.1.
Variant type: single nucleotide variant.
Coding change: c.1901C>T on transcript NM_000138.5 (MANE Select); coding-DNA position 1901, C replaced by T.
Protein change: p.Ser634Phe; replaces serine 634 with phenylalanine.
Molecular consequence: missense variant.
Genome position (GRCh38, 1-based): chr15:48,505,084, G>A on the plus strand (C>T on the coding strand, the complement: FBN1 is on the minus strand). VCF-style: chr15-48505084-G-A. GRCh37 (hg19) VCF-style: chr15-48797281-G-A.
Other names: c.1901C>T, p.Ser634Phe (NM_001406716.1); short protein forms S634F.
Identifiers: ClinVar variation 3752004 (VCV003752004.2).